The following is an entry in ClinVar:

ClinVar aggregate classification (germline): Benign/Likely benign. Review status: criteria provided, multiple submitters, no conflicts (2 of 4 stars). 2 submissions from 2 submitters: Benign (1); Likely benign (1). Last evaluated 2025-01-02.

Conditions:
Hereditary nonpolyposis colorectal neoplasms. Identifiers: MedGen C0009405, MeSH D003123.
Lynch syndrome 5 (LYNCH5). Also called: Hereditary non-polyposis colorectal cancer, type 5; Colorectal cancer, hereditary nonpolyposis, type 5. Identifiers: Orphanet 144, MedGen C1833477, MONDO:0013710, OMIM 614350. Disease mechanism: loss of function.

Submissions (2):

Myriad Genetics, Inc.
Classification: Benign for Lynch syndrome 5. Last evaluated: 2025-01-02. Review status: criteria provided, single submitter. Criteria: Myriad Autosomal Dominant, Autosomal Recessive and X-Linked Classification Criteria (2023). Collection method: clinical testing. Allele origin: unknown.
Comment: This variant is considered benign. This variant is a silent/synonymous amino acid change and it is not expected to impact splicing.

Labcorp Genetics (formerly Invitae), Labcorp
Classification: Likely benign for Hereditary nonpolyposis colorectal neoplasms. Last evaluated: 2023-11-15. Review status: criteria provided, single submitter. Criteria: Invitae Variant Classification Sherloc (09022015). Collection method: clinical testing. Allele origin: germline.

NM_000179.3(MSH6):c.2766A>G (p.Arg922=)

Gene: MSH6 (mutS homolog 6; plus strand). Cytogenetic location: 2p16.3.
Variant type: single nucleotide variant.
Coding change: c.2766A>G on transcript NM_000179.3 (MANE Select); coding-DNA position 2766, A replaced by G.
Protein change: p.Arg922=; no amino-acid change (arginine 922 retained).
Molecular consequence: synonymous variant. On other transcripts: non-coding transcript variant (5), intron variant (2).
Genome position (GRCh38, 1-based): chr2:47,800,749, A>G. VCF-style: chr2-47800749-A-G. GRCh37 (hg19) VCF-style: chr2-48027888-A-G.
Other names: c.2469A>G, p.Arg823= (NM_001406819.1, NM_001406820.1, NM_001406821.1 and 10 more transcripts); c.1860A>G, p.Arg620= (NM_001406823.1, NM_001406829.1, NM_001281493.2 and 6 more transcripts); c.2598A>G, p.Arg866= (NM_001406826.1); c.711A>G, p.Arg237= (NM_001407362.1); c.2308+458A>G (NM_001406803.1); c.1606+1160A>G (NM_001406817.1); c.2376A>G, p.Arg792= (NM_001281492.2); c.2862A>G, p.Arg954= (NM_001406795.1, NM_001406802.1); and 4 more.
Identifiers: ClinVar variation 2091958 (VCV002091958.5), dbSNP rs916318755, ClinGen allele CA426121656.